The following is an entry in ClinVar:

GRCh38/hg38 7p11.2(chr7:57193415-57846998)x3

Genes: MIR3147 (microRNA 3147; plus strand), MIR3147HG (MIR3147 host gene; plus strand), ZNF716 (zinc finger protein 716; plus strand), LOC105375297 (uncharacterized LOC105375297; minus strand), LOC132089552 (Neanderthal introgressed variant-containing enhancer experimental_99715; plus strand). Cytogenetic location: 7p11.2.
Variant type: copy number gain.
Change: copy number 3 (three copies instead of two) of chr7:57,193,415-57,846,998 (653.6 kb, GRCh38 coordinates, 1-based), cytogenetic band 7p11.2.
Identifiers: ClinVar variation 155070 (VCV000155070.2).

ClinVar aggregate classification (germline): conflicting data from submitters (0 of 4 stars; one submission).

Submission:

ISCA site 1
Classification: conflicting data from submitters. Last evaluated: 2016-02-29. Review status: no assertion criteria provided. Collection method: clinical testing. Allele origin: unknown, maternal. Affected: yes. Observed: 3 variant alleles. Clinical features observed: Autistic behavior (HP:0000729), Delayed speech and language development (HP:0000750), Muscular hypotonia (HP:0001252), Intrauterine growth retardation (HP:0001511), Premature birth (HP:0001622), Abnormal facial shape (HP:0002260).
Comment: Uncertain significance(2), Likely benign (1)

Copy number variation identified through the course of routine clinical cytogenomic testing in postnatal populations, with clinical assertions as classified by the original submitter. For data from the original published study, Kaminsky, et al. 2011 (PubMed 21844811), please see nstd101.